The following is an entry in ClinVar:

ClinVar aggregate classification (germline): Uncertain significance (1 of 4 stars; one submission).

Conditions:
COL10A1-related disorder. Also called: COL10A1-related condition.

Submission:

PreventionGenetics, part of Exact Sciences
Classification: Uncertain significance for COL10A1-related condition. Last evaluated: 2023-09-12. Review status: criteria provided, single submitter. Criteria: ACMG Guidelines, 2015. Collection method: clinical testing. Allele origin: germline.
Comment: The COL10A1 c.1859C>T variant is predicted to result in the amino acid substitution p.Pro620Leu. To our knowledge, this variant has not been reported in the literature or in a large population database, indicating this variant is rare. At this time, the clinical significance of this variant is uncertain due to the absence of conclusive functional and genetic evidence.

NM_000493.4(COL10A1):c.1859C>T (p.Pro620Leu)

Genes: COL10A1 (collagen type X alpha 1 chain; minus strand), NT5DC1 (5'-nucleotidase domain containing 1; plus strand). Cytogenetic location: 6q22.1.
Variant type: single nucleotide variant.
Coding change: c.1859C>T on transcript NM_000493.4 (MANE Select); coding-DNA position 1859, C replaced by T.
Protein change: p.Pro620Leu; replaces proline 620 with leucine.
Molecular consequence: missense variant. On other transcripts: intron variant (1).
Genome position (GRCh38, 1-based): chr6:116,120,257, G>A on the plus strand (C>T on the coding strand, the complement: COL10A1 is on the minus strand). VCF-style: chr6-116120257-G-A. GRCh37 (hg19) VCF-style: chr6-116441420-G-A.
Other names: c.1859C>T, p.Pro620Leu (NM_001424106.1, NM_001424107.1); c.529+2312G>A (NM_152729.3); short protein forms P620L.
Identifiers: ClinVar variation 2631126 (VCV002631126.1), dbSNP rs2534084203, ClinGen allele CA365386619.
Genomic context (GRCh38, chr6:116,120,257, plus strand): 5'-GCACTCCCTGAAGCCTGATCCAGGTAGCCTTTGGTGTATTCATCATAGGTGTACATTACA[G>A]GGGTGCCATTCTTATACAGGCCTACCCAAACATGAGTCCCTTTCACATGCACGTGGTATG-3'
Protein context (NP_000484.2, residues 610-630): VWVGLYKNGT[Pro620Leu]VMYTYDEYTK